The following is an entry in ClinVar:

NM_144508.5(KNL1):c.6517C>G (p.His2173Asp)

Gene: KNL1 (kinetochore scaffold 1; plus strand). Cytogenetic location: 15q15.1.
Variant type: single nucleotide variant.
Coding change: c.6517C>G on transcript NM_144508.5 (MANE Select); coding-DNA position 6517, C replaced by G.
Protein change: p.His2173Asp; replaces histidine 2173 with aspartic acid.
Molecular consequence: missense variant.
Genome position (GRCh38, 1-based): chr15:40,657,074, C>G. VCF-style: chr15-40657074-C-G. GRCh37 (hg19) VCF-style: chr15-40949272-C-G.
Other names: c.6595C>G, p.His2199Asp (NM_170589.5); short protein forms H2173D, H2199D.
Identifiers: ClinVar variation 1310741 (VCV001310741.2), dbSNP rs1241251288, ClinGen allele CA391774857.
Genomic context (GRCh38, chr15:40,657,074, plus strand): 5'-GCTTTTGCTTTTTTTTTTCCTTCCCCAGAGGATCAAGCTCCTCCTTCCTCCCTTTTAGTT[C>G]ATAAGCTTATTTTCCAGTACGTTGAAGAAAAGGAATCCTGGAAGAAGACATGTACAACCC-3'
Protein context (NP_653091.3, residues 2163-2183): DQAPPSSLLV[His2173Asp]KLIFQYVEEK

ClinVar aggregate classification (germline): Uncertain significance (1 of 4 stars; one submission).

Allele frequency attached by ClinVar (database versions not stated): TOPMed 0.00001.

Submission:

GeneDx
Classification: Uncertain significance. Last evaluated: 2019-11-30. Review status: criteria provided, single submitter. Criteria: GeneDx Variant Classification Process June 2021. Collection method: clinical testing. Allele origin: germline. Affected: yes.
Comment: Not observed in large population cohorts (Lek et al., 2016); In silico analysis, which includes protein predictors and evolutionary conservation, supports a deleterious effect; Has not been previously published as pathogenic or benign to our knowledge